The following is an entry in ClinVar:

ClinVar aggregate classification (germline): Uncertain significance (1 of 4 stars; one submission).

Conditions:
Autoinflammation with arthritis and dyskeratosis (AIADK). Identifiers: MedGen C4479278, MONDO:0060457, OMIM 617388.

Submission:

Diagnostics Services (NGS), CSIR - Centre For Cellular And Molecular Biology
Classification: Uncertain significance for Autoinflammation with arthritis and dyskeratosis. Last evaluated: 2025-01-31. Review status: criteria provided, single submitter. Criteria: ACMG Guidelines, 2015. Collection method: clinical testing. Allele origin: unknown. Affected: yes. Observed: 1 variant allele, 1 heterozygote.
Comment: The c.2771T>C variant is not present in publicly available population databases like 1000 Genomes, EVS, gnomAD, Indian Exome Database or our internal database. This variant has neither been reported in the literature in individuals affected with NLRP1-related conditions nor reported to the clinical databases like Human Genome Mutation Database (HGMD), ClinVar, or OMIM in any affected individuals. In-silico pathogenicity prediction programs like SIFT, Polyphen-2, MutationTaster2021, CADD, etc predicted this variant to be likely deleterious however these predictions were not confirmed by published functional studies.

NM_033004.4(NLRP1):c.2771T>C (p.Leu924Pro)

Gene: NLRP1 (NLR family pyrin domain containing 1; minus strand). Cytogenetic location: 17p13.2.
Variant type: single nucleotide variant.
Coding change: c.2771T>C on transcript NM_033004.4 (MANE Select); coding-DNA position 2771, T replaced by C.
Protein change: p.Leu924Pro; replaces leucine 924 with proline.
Molecular consequence: missense variant.
Genome position (GRCh38, 1-based): chr17:5,539,514, A>G on the plus strand (T>C on the coding strand, the complement: NLRP1 is on the minus strand). VCF-style: chr17-5539514-A-G. GRCh37 (hg19) VCF-style: chr17-5442834-A-G.
Other names: c.2771T>C, p.Leu924Pro (NM_001033053.3, NM_014922.5, NM_033006.4 and 1 more transcripts); short protein forms L924P.
Identifiers: ClinVar variation 3767959 (VCV003767959.1).